The following is an entry in ClinVar:

ClinVar aggregate classification (germline): Likely benign. Review status: reviewed by expert panel (3 of 4 stars). 5 submissions from 5 submitters: Likely benign (1). 4 of the submissions do not count toward it. Last evaluated 2017-06-29.

Conditions:
Hereditary breast ovarian cancer syndrome. Also called: Hereditary breast and ovarian cancer syndrome (HBOC); BRCA1- and BRCA2-Associated Hereditary Breast and Ovarian Cancer; Hereditary breast and/or ovarian cancer syndrome; Hereditary breast and ovarian cancer syndrome; Hereditary breast and ovarian cancer; Breast and ovarian cancer. Identifiers: Orphanet 145, MedGen C0677776, MeSH D061325, MONDO:0003582. Disease mechanism: loss of function.
Hereditary cancer-predisposing syndrome. Also called: Neoplastic Syndromes, Hereditary; Hereditary neoplastic syndrome; Tumor predisposition; Hereditary Cancer Syndrome. Identifiers: Orphanet 140162, MedGen C0027672, MeSH D009386, MONDO:0015356.
Breast-ovarian cancer, familial, susceptibility to, 1 (BROVCA1). Also called: BRCA1 Hereditary Breast and Ovarian Cancer; OVARIAN CANCER, SUSCEPTIBILITY TO. Identifiers: Orphanet 145, MedGen C2676676, MONDO:0011450, OMIM 604370. Disease mechanism: loss of function.

Allele frequency attached by ClinVar (database versions not stated): ExAC 0.00002; gnomAD exomes 0.00002 and 0.00001.
gnomAD v4.1: 4 of 1,613,830 alleles (0.00025%); highest among the groups gnomAD compares: Admixed American, 0.0067%; no homozygotes.

Submissions (5):

Evidence-based Network for the Interpretation of Germline Mutant Alleles (ENIGMA)
Classification: Likely benign for Breast-ovarian cancer, familial, susceptibility to, 1. Last evaluated: 2017-06-29. Review status: reviewed by expert panel. Criteria: ENIGMA BRCA1/2 Classification Criteria (2017-06-29). Collection method: curation. Allele origin: germline.
Comment: Synonymous substitution variant, with low bioinformatic likelihood to result in a splicing aberration (Splicing prior probability 0.02).

Labcorp Genetics (formerly Invitae), Labcorp
Classification: Likely benign for Hereditary breast ovarian cancer syndrome. Last evaluated: 2025-08-22. Review status: criteria provided, single submitter. Criteria: Invitae Variant Classification Sherloc (09022015). Collection method: clinical testing. Allele origin: germline. Not counted in ClinVar's aggregate classification.

Women's Health and Genetics/Laboratory Corporation of America, LabCorp
Classification: Likely benign. Last evaluated: 2022-12-31. Review status: criteria provided, single submitter. Criteria: LabCorp Variant Classification Summary - May 2015. Collection method: clinical testing. Allele origin: germline. Not counted in ClinVar's aggregate classification.

Ambry Genetics
Classification: Likely benign for Hereditary cancer-predisposing syndrome. Last evaluated: 2022-07-25. Review status: criteria provided, single submitter. Criteria: Ambry Variant Classification Scheme 2023. Collection method: clinical testing. Allele origin: germline. Not counted in ClinVar's aggregate classification.

Color Diagnostics, LLC DBA Color Health
Classification: Likely benign for Hereditary cancer-predisposing syndrome. Last evaluated: 2016-06-13. Review status: criteria provided, single submitter. Criteria: ACMG Guidelines, 2015. Collection method: clinical testing. Allele origin: germline. Not counted in ClinVar's aggregate classification.

Literature cited by the submitters: PubMed 16267036 (cited by Women's Health and Genetics/Laboratory Corporation of America, LabCorp).

NM_007294.4(BRCA1):c.2334C>T (p.Gly778=)

Gene: BRCA1 (BRCA1 DNA repair associated; minus strand). Cytogenetic location: 17q21.31.
Variant type: single nucleotide variant.
Coding change: c.2334C>T on transcript NM_007294.4 (MANE Select); coding-DNA position 2334, C replaced by T.
Protein change: p.Gly778=; no amino-acid change (glycine 778 retained).
Molecular consequence: synonymous variant. On other transcripts: intron variant (137).
Genome position (GRCh38, 1-based): chr17:43,093,197, G>A on the plus strand (C>T on the coding strand, the complement: BRCA1 is on the minus strand). VCF-style: chr17-43093197-G-A. GRCh37 (hg19) VCF-style: chr17-41245214-G-A.
Other names: c.2193C>T, p.Gly731= (NM_001407732.1, NM_001407733.1, NM_001407734.1 and 29 more transcripts); c.2190C>T, p.Gly730= (NM_001407740.1, NM_001407741.1, NM_001407742.1 and 20 more transcripts); c.2121C>T, p.Gly707= (NM_001407853.1, NM_001407894.1, NM_001407895.1 and 9 more transcripts); c.2334C>T, p.Gly778= (NM_001407854.1, NM_001407858.1, NM_001407859.1 and 30 more transcripts); c.2331C>T, p.Gly777= (NM_001407860.1, NM_001407861.1, NM_001407587.1 and 22 more transcripts); c.2133C>T, p.Gly711= (NM_001407862.1); c.2211C>T, p.Gly737= (NM_001407863.1, NM_001407919.1, NM_001407937.1 and 19 more transcripts); c.2130C>T, p.Gly710= (NM_001407874.1, NM_001407875.1); and 41 more.
Identifiers: ClinVar variation 427355 (VCV000427355.17), dbSNP rs777404687, ClinGen allele CA058658.